The following is an entry in ClinVar:

ClinVar aggregate classification (germline): Uncertain significance (1 of 4 stars; one submission).

Conditions:
Neurodevelopmental disorder with speech impairment and with or without seizures. Also called: Neurodevelopmental disorder with variable intellectual disability and speech impairment, with or without seizures. Identifiers: MedGen C5774252, MONDO:0859313, OMIM 620114.

gnomAD v4.1: 9 of 1,579,424 alleles (0.00057%); highest among the groups gnomAD compares: South Asian, 0.0034%; no homozygotes.

Submission:

Foundation for Research in Genetics and Endocrinology, FRIGE's Institute of Human Genetics
Classification: Uncertain significance for Neurodevelopmental disorder with speech impairment and with or without seizures. Last evaluated: 2025-11-17. Review status: criteria provided, single submitter. Criteria: ACMG Guidelines, 2015. Collection method: clinical testing. Allele origin: germline. Inheritance: Autosomal dominant inheritance. Affected: yes. Observed: 1 heterozygote.
Comment: A heterozygous missense variant in exon 13 of the CACNA1I gene that results in the amino acid substitution of Methionine for Threonine at codon 792 (p.Thr792Met) was detected. The p.Thr792Met variant has not been reported in the 1000 genomes databases and has a minor allele frequency of 0.0006%, 0.0005% and 0.001% in the gnomAD (v3.1), gnomAD (v2.1), topmed databases respectively. The insilico predictions of the variant are probably damaging by PolyPhen-2 and damaging by SIFT, LRT, CONDEL, FATHMM and MetaSVM. The reference codon is conserved across species. In summary, the variant meets our criteria to be classified as variant of uncertain significance.

NM_021096.4(CACNA1I):c.2375C>T (p.Thr792Met)

Gene: CACNA1I (calcium voltage-gated channel subunit alpha1 I; plus strand). Cytogenetic location: 22q13.1.
Variant type: single nucleotide variant.
Coding change: c.2375C>T on transcript NM_021096.4 (MANE Select); coding-DNA position 2375, C replaced by T.
Protein change: p.Thr792Met; replaces threonine 792 with methionine.
Molecular consequence: missense variant.
Genome position (GRCh38, 1-based): chr22:39,659,477, C>T. VCF-style: chr22-39659477-C-T. GRCh37 (hg19) VCF-style: chr22-40055482-C-T.
Other names: c.2270C>T, p.Thr757Met (NM_001003406.2); short protein forms T757M, T792M.
Identifiers: ClinVar variation 4532248 (VCV004532248.1).